The following is an entry in ClinVar:

ClinVar aggregate classification (germline): Uncertain significance (1 of 4 stars; one submission).

Conditions:
Autosomal recessive mendelian susceptibility to mycobacterial diseases due to complete RORgamma receptor deficiency. Also called: Immunodeficiency 42. Identifiers: Orphanet 477857, MedGen C5567647, MONDO:0014710, OMIM 616622.

Allele frequency attached by ClinVar (database versions not stated): gnomAD 0.00001; TOPMed 0.00001.
gnomAD v4.1: 5 of 1,613,746 alleles (0.00031%); highest among the groups gnomAD compares: Non-Finnish European, 0.00042%; no homozygotes.

Submission:

Labcorp Genetics (formerly Invitae), Labcorp
Classification: Uncertain significance for Autosomal recessive mendelian susceptibility to mycobacterial diseases due to complete RORgamma receptor deficiency. Last evaluated: 2022-03-13. Review status: criteria provided, single submitter. Criteria: Invitae Variant Classification Sherloc (09022015). Collection method: clinical testing. Allele origin: germline.
Comment: This sequence change replaces alanine, which is neutral and non-polar, with threonine, which is neutral and polar, at codon 497 of the RORC protein (p.Ala497Thr). This variant is present in population databases (no rsID available, gnomAD 0.0009%). This variant has not been reported in the literature in individuals affected with RORC-related conditions. Algorithms developed to predict the effect of missense changes on protein structure and function output the following: SIFT: "Tolerated"; PolyPhen-2: "Benign"; Align-GVGD: "Class C0". The threonine amino acid residue is found in multiple mammalian species, which suggests that this missense change does not adversely affect protein function. In summary, the available evidence is currently insufficient to determine the role of this variant in disease. Therefore, it has been classified as a Variant of Uncertain Significance.

NM_005060.4(RORC):c.1489G>A (p.Ala497Thr)

Gene: RORC (RAR related orphan receptor C; minus strand). Cytogenetic location: 1q21.3.
Variant type: single nucleotide variant.
Coding change: c.1489G>A on transcript NM_005060.4 (MANE Select); coding-DNA position 1489, G replaced by A.
Protein change: p.Ala497Thr; replaces alanine 497 with threonine.
Molecular consequence: missense variant.
Genome position (GRCh38, 1-based): chr1:151,807,540, C>T on the plus strand (G>A on the coding strand, the complement: RORC is on the minus strand). VCF-style: chr1-151807540-C-T. GRCh37 (hg19) VCF-style: chr1-151780016-C-T.
Other names: c.1426G>A, p.Ala476Thr (NM_001001523.2); short protein forms A476T, A497T.
Identifiers: ClinVar variation 1924038 (VCV001924038.2), dbSNP rs1297798833, ClinGen allele CA342008011.